The following is an entry in ClinVar:

NM_006031.6(PCNT):c.6884C>T (p.Pro2295Leu)

Gene: PCNT (pericentrin; plus strand). Cytogenetic location: 21q22.3.
Variant type: single nucleotide variant.
Coding change: c.6884C>T on transcript NM_006031.6 (MANE Select); coding-DNA position 6884, C replaced by T.
Protein change: p.Pro2295Leu; replaces proline 2295 with leucine.
Molecular consequence: missense variant.
Genome position (GRCh38, 1-based): chr21:46,416,802, C>T. VCF-style: chr21-46416802-C-T. GRCh37 (hg19) VCF-style: chr21-47836716-C-T.
Other names: c.6530C>T, p.Pro2177Leu (NM_001315529.2); short protein forms P2177L, P2295L.
Identifiers: ClinVar variation 1310795 (VCV001310795.8), dbSNP rs572123043, ClinGen allele CA10080431.

ClinVar aggregate classification (germline): Conflicting classifications of pathogenicity. Review status: criteria provided, conflicting classifications (1 of 4 stars). 4 submissions from 4 submitters: Uncertain significance (3); Likely benign (1). Last evaluated 2026-07-01.

Conditions:
PCNT-related disorder. Also called: PCNT-related condition.
Microcephalic osteodysplastic primordial dwarfism type II (MOPD2). Also called: MOPD II; OSTEODYSPLASTIC PRIMORDIAL DWARFISM, TYPE II; Microcephalic osteodysplastic primordial dwarfism with tooth abnormalities. Identifiers: Orphanet 2637, MedGen C0432246, MONDO:0008872, OMIM 210720.

Allele frequency attached by ClinVar (database versions not stated): gnomAD 0.00003 and 0.00005; gnomAD exomes 0.00004 and 0.00005; TOPMed 0.00005; ExAC 0.00006; 1000 Genomes Project 0.00040; 1000 Genomes Project 30x 0.00047.
gnomAD v4.1: 72 of 1,598,972 alleles (0.0045%); highest among the groups gnomAD compares: South Asian, 0.021%; 1 homozygote.

Submissions (4):

PreventionGenetics, part of Exact Sciences
Classification: Uncertain significance for PCNT-related condition. Last evaluated: 2026-07-01. Review status: criteria provided, single submitter. Criteria: ACMG Guidelines, 2015. Collection method: clinical testing. Allele origin: germline.
Comment: The PCNT c.6884C>T variant is predicted to result in the amino acid substitution p.Pro2295Leu. This variant has been reported as de novo in an individual with autism spectrum disorder (Supplementary Table 20, Fu et al. 2022. PubMed ID: 35982160). However, it is also reported in 0.013% of alleles in individuals of South Asian descent, and is present in a single homozygous individual of unknown phenotype in gnomAD, thus calling its clinical significance into question. At this time, the clinical significance of this variant is uncertain due to the absence of conclusive functional and genetic evidence.

Blueprint Genetics
Classification: Likely benign. Last evaluated: 2024-10-02. Review status: criteria provided, single submitter. Criteria: ACMG Guidelines, 2015. Collection method: clinical testing. Allele origin: germline.

Revvity Omics, Revvity
Classification: Uncertain significance for Microcephalic osteodysplastic primordial dwarfism type II. Last evaluated: 2022-08-24. Review status: criteria provided, single submitter. Criteria: ACMG Guidelines, 2015. Collection method: clinical testing. Allele origin: germline.

GeneDx
Classification: Uncertain significance. Last evaluated: 2019-12-04. Review status: criteria provided, single submitter. Criteria: GeneDx Variant Classification Process June 2021. Collection method: clinical testing. Allele origin: germline. Affected: yes.
Comment: In silico analysis, which includes protein predictors and evolutionary conservation, supports a deleterious effect; Missense variant in a gene in which most reported pathogenic variants are truncating/loss-of-function; Has not been previously published as pathogenic or benign to our knowledge